The following is an entry in ClinVar:

NM_000352.6(ABCC8):c.3867+7G>A

Gene: ABCC8 (ATP binding cassette subfamily C member 8; minus strand). Cytogenetic location: 11p15.1.
Variant type: single nucleotide variant.
Coding change: c.3867+7G>A on transcript NM_000352.6 (MANE Select); 7 bases into the intron after coding-DNA position 3867, G replaced by A.
Molecular consequence: intron variant.
Genome position (GRCh38, 1-based): chr11:17,397,677, C>T on the plus strand (G>A on the coding strand, the complement: ABCC8 is on the minus strand). VCF-style: chr11-17397677-C-T. GRCh37 (hg19) VCF-style: chr11-17419224-C-T.
Other names: c.3864+7G>A (NM_001351297.2); c.3867+7G>A (NM_001351296.2); c.3933+7G>A (NM_001351295.2); c.3870+7G>A (NM_001287174.3).
Identifiers: ClinVar variation 446771 (VCV000446771.32), dbSNP rs372198547, ClinGen allele CA5902678.

ClinVar aggregate classification (germline): Conflicting classifications of pathogenicity. Review status: criteria provided, conflicting classifications (1 of 4 stars). 12 submissions from 10 submitters: Uncertain significance (4); Benign (1); Likely benign (3). 4 of the submissions do not count toward it. Last evaluated 2026-01-14.

Conditions:
ABCC8-related disorder.
Maturity-onset diabetes of the young (MODY). Also called: Maturity onset diabetes mellitus in young. Identifiers: Orphanet 552, MedGen C0342276, MONDO:0018911, HP:0004904.
Permanent neonatal diabetes mellitus (PNDM). Identifiers: Orphanet 99885, MedGen C1833104, MONDO:0100164, MONDO:0011643. Disease mechanism: gain of function.
Transitory neonatal diabetes mellitus. Also called: Transient neonatal diabetes mellitus. Identifiers: MedGen C0342273, MONDO:0020525, HP:0008255.
Hyperinsulinemic hypoglycemia, familial, 1 (HHF1). Also called: NESIDIOBLASTOSIS OF PANCREAS; Persistent hyperinsulinemic hypoglycemia of infancy; HYPERINSULINISM, FAMILIAL, WITH PANCREATIC NESIDIOBLASTOSIS; HYPOGLYCEMIA, HYPERINSULINEMIC, OF INFANCY; Persistent Hyperinsulinemia Hypoglycemia of Infancy. Identifiers: Orphanet 276575, Orphanet 276598, MedGen C2931832, MONDO:0009734, OMIM 256450.
Diabetes mellitus, transient neonatal, 2 (TNDM2). Identifiers: Orphanet 99886, MedGen C1835887, MONDO:0012480, OMIM 610374. Disease mechanism: loss of function.

Allele frequency attached by ClinVar (database versions not stated): ExAC 0.00034; gnomAD exomes 0.00034 and 0.00088; gnomAD 0.00048 and 0.00049; TOPMed 0.00055; ESP Exome Variant Server 0.00069.
gnomAD v4.1: 1,342 of 1,611,098 alleles (0.083%); highest among the groups gnomAD compares: Non-Finnish European, 0.11%; 2 homozygotes.

Submissions (12):

Labcorp Genetics (formerly Invitae), Labcorp
Classification: Likely benign. Last evaluated: 2026-01-14. Review status: criteria provided, single submitter. Criteria: Invitae Variant Classification Sherloc (09022015). Collection method: clinical testing. Allele origin: germline.

CeGaT Center for Human Genetics Tuebingen
Classification: Likely benign. Last evaluated: 2025-10-01. Review status: criteria provided, single submitter. Criteria: CeGaT Center For Human Genetics Tuebingen Variant Classification Criteria Version 2. Collection method: clinical testing. Allele origin: germline. Affected: yes. Observed: 1 variant allele.
Comment: ABCC8: BP4

Genetic Services Laboratory, University of Chicago
Classification: Likely benign. Last evaluated: 2021-07-23. Review status: criteria provided, single submitter. Criteria: ACMG Guidelines, 2015. Collection method: clinical testing. Allele origin: germline. Affected: no.

Illumina Laboratory Services, Illumina
Classification: Benign for Diabetes mellitus, transient neonatal, 2. Last evaluated: 2017-05-09. Review status: criteria provided, single submitter. Criteria: ICSL Variant Classification Criteria 13 December 2019. Collection method: clinical testing. Allele origin: germline.
Comment: This variant was observed as part of a predisposition screen in an ostensibly healthy population. A literature search was performed for the gene, cDNA change, and amino acid change (where applicable). No publications were found based on this search. Allele frequency data from public databases was too high to be consistent with this variant causing disease. Therefore, this variant is classified as benign.

Illumina Laboratory Services, Illumina
Classification: Uncertain significance for Permanent neonatal diabetes mellitus 1. Last evaluated: 2017-04-27. Review status: criteria provided, single submitter. Criteria: ICSL Variant Classification Criteria 13 December 2019. Collection method: clinical testing. Allele origin: germline.

Athena Diagnostics
Classification: Uncertain significance. Last evaluated: 2016-08-03. Review status: criteria provided, single submitter. Criteria: Athena Diagnostics Criteria. Collection method: clinical testing. Allele origin: germline.

Clinical Genomics, Uppaluri K&H Personalized Medicine Clinic
Classification: Uncertain significance for Maturity-onset diabetes of the young. Review status: criteria provided, single submitter. Criteria: K & H Uppaluri Personalized Medicine Clinic Variant Classification & Assertion Criteria_Updated V.1. Collection method: research. Allele origin: somatic. Inheritance: Somatic mutation.
Comment: Mutations in ABCC8 gene are associated with both neonatal diabetes mellitus as well as MODY. Patients with this mutation may have a better response to sulfonylureas. However, no sufficient evidence is found to ascertain the role of this particular variant (rs372198547) in MODY yet.

Clinical Genomics, Uppaluri K&H Personalized Medicine Clinic
Classification: Uncertain significance for Transitory neonatal diabetes mellitus. Review status: criteria provided, single submitter. Criteria: K & H Uppaluri Personalized Medicine Clinic Variant Classification & Assertion Criteria_Updated V.1. Collection method: research. Allele origin: somatic. Inheritance: Somatic mutation.
Comment: Mutations in ABCC8 gene are associated with both neonatal diabetes mellitus as well as MODY. Patients with this mutation may have a better response to sulfonylureas. However, no sufficient evidence is found to ascertain the role of this particular variant (rs372198547) in neonatal diabetes yet.

PreventionGenetics, part of Exact Sciences
Classification: Likely benign for ABCC8-related condition. Last evaluated: 2021-04-01. Review status: no assertion criteria provided. Collection method: clinical testing. Allele origin: germline. Not counted in ClinVar's aggregate classification.
Comment: This variant is classified as likely benign based on ACMG/AMP sequence variant interpretation guidelines (Richards et al. 2015 PMID: 25741868, with internal and published modifications).

Counsyl
Classification: Uncertain significance for Hyperinsulinemic hypoglycemia, familial, 1. Last evaluated: 2017-02-08. Review status: no assertion criteria provided. Collection method: clinical testing. Allele origin: unknown. Not counted in ClinVar's aggregate classification.

Clinical Genetics DNA and cytogenetics Diagnostics Lab, Erasmus MC, Erasmus Medical Center
Classification: Likely benign. Review status: no assertion criteria provided. Collection method: clinical testing. Allele origin: germline. Affected: yes. Study: VKGL Data-share Consensus. Not counted in ClinVar's aggregate classification.

Laboratory of Diagnostic Genome Analysis, Leiden University Medical Center (LUMC)
Classification: Likely benign. Review status: no assertion criteria provided. Collection method: clinical testing. Allele origin: germline. Affected: yes. Study: VKGL Data-share Consensus. Not counted in ClinVar's aggregate classification.

Literature cited by the submitters: PubMed 27313609 (cited by Athena Diagnostics); PubMed 23345197 (cited by Athena Diagnostics and Counsyl); PubMed 16885549 (cited by Clinical Genomics, Uppaluri K&H Personalized Medicine Clinic); PubMed 21989597 (cited by Clinical Genomics, Uppaluri K&H Personalized Medicine Clinic); PubMed 27538677 (cited by Clinical Genomics, Uppaluri K&H Personalized Medicine Clinic); PubMed 18981553 (cited by Clinical Genomics, Uppaluri K&H Personalized Medicine Clinic); PubMed 32027066 (cited by Clinical Genomics, Uppaluri K&H Personalized Medicine Clinic); PubMed 16613899 (cited by Clinical Genomics, Uppaluri K&H Personalized Medicine Clinic); PubMed 18025408 (cited by Clinical Genomics, Uppaluri K&H Personalized Medicine Clinic); PubMed 32792356 (cited by Clinical Genomics, Uppaluri K&H Personalized Medicine Clinic).